The following is an entry in ClinVar:

NM_000642.3(AGL):c.4419dup (p.Thr1474fs)

Gene: AGL (amylo-alpha-1,6-glucosidase and 4-alpha-glucanotransferase; plus strand). Cytogenetic location: 1p21.2.
Variant type: Duplication.
Coding change: c.4419dup on transcript NM_000642.3 (MANE Select); coding-DNA position 4419, one base duplicated (T; older notation c.4419dupT).
Protein change: p.Thr1474fs; shifts the reading frame from threonine 1474.
Molecular consequence: frameshift variant.
Genome position (GRCh38, 1-based): chr1:99,916,669, T duplicated. VCF-style (leftmost placement, unchanged base first): chr1-99916668-C-CT. GRCh37 (hg19) VCF-style: chr1-100382224-C-CT.
Other names: c.4419dup, p.Thr1474Tyrfs (NM_000028.3, NM_000643.3, NM_000644.3 and 1 more transcripts); c.4371dup, p.Thr1458Tyrfs (NM_000646.3); c.4398dup, p.Thr1467Tyrfs (NM_001425326.1); c.4218dup, p.Thr1407Tyrfs (NM_001425327.1); c.4215dup, p.Thr1406Tyrfs (NM_001425328.1); c.4080dup, p.Thr1361Tyrfs (NM_001425329.1); c.4041dup, p.Thr1348Tyrfs (NM_001425332.1); short protein forms T1474fs, T1458fs.
Identifiers: ClinVar variation 1367884 (VCV001367884.6), dbSNP rs2100876312, ClinGen allele CA2573132633.

ClinVar aggregate classification (germline): Pathogenic (1 of 4 stars; one submission).

Conditions:
Glycogen storage disease type III (GSD3). Also called: Cori disease; FORBES DISEASE. Identifiers: Orphanet 366, MedGen C0017922, MONDO:0009291, OMIM 232400.

Submission:

Labcorp Genetics (formerly Invitae), Labcorp
Classification: Pathogenic for Glycogen storage disease type III. Last evaluated: 2022-10-05. Review status: criteria provided, single submitter. Criteria: Invitae Variant Classification Sherloc (09022015). Collection method: clinical testing. Allele origin: germline.
Comment: This sequence change creates a premature translational stop signal (p.Thr1474Tyrfs*9) in the AGL gene. While this is not anticipated to result in nonsense mediated decay, it is expected to disrupt the last 59 amino acid(s) of the AGL protein. This variant is not present in population databases (gnomAD no frequency). For these reasons, this variant has been classified as Pathogenic. This variant disrupts a region of the AGL protein in which other variant(s) (p.Tyr1510*) have been determined to be pathogenic (PMID: 8990006, 20071996, 20490926, 23430490). This suggests that this is a clinically significant region of the protein, and that variants that disrupt it are likely to be disease-causing. ClinVar contains an entry for this variant (Variation ID: 1367884). This variant has not been reported in the literature in individuals affected with AGL-related conditions.

Literature cited by the submitters: PubMed 8990006; PubMed 20071996; PubMed 20490926; PubMed 23430490.